The following is an entry in ClinVar:

NM_006254.4(PRKCD):c.1511G>A (p.Arg504Gln)

Gene: PRKCD (protein kinase C delta; plus strand). Cytogenetic location: 3p21.1.
Variant type: single nucleotide variant.
Coding change: c.1511G>A on transcript NM_006254.4 (MANE Select); coding-DNA position 1511, G replaced by A.
Protein change: p.Arg504Gln; replaces arginine 504 with glutamine.
Molecular consequence: missense variant.
Genome position (GRCh38, 1-based): chr3:53,188,815, G>A. VCF-style: chr3-53188815-G-A. GRCh37 (hg19) VCF-style: chr3-53222831-G-A.
Other names: c.1511G>A, p.Arg504Gln (NM_001316327.2, NM_001354679.2, NM_001354680.2 and 1 more transcripts); c.1568G>A, p.Arg523Gln (NM_001354676.2); c.1559G>A, p.Arg520Gln (NM_001354678.2); c.1511G>A (NM_006254.3); short protein forms R504Q, R520Q, R523Q.
Identifiers: ClinVar variation 1446696 (VCV001446696.6), dbSNP rs781836069, ClinGen allele CA2452206.

ClinVar aggregate classification (germline): Conflicting classifications of pathogenicity. Review status: criteria provided, conflicting classifications (1 of 4 stars). 2 submissions from 2 submitters: Uncertain significance (1); Likely benign (1). Last evaluated 2025-04-20.

Conditions:
Autoimmune lymphoproliferative syndrome, type III caused by mutation in PRKCD. Identifiers: Orphanet 3261, Orphanet 664711, MedGen C3809928, MONDO:8000024, OMIM 615559.
Inborn genetic diseases. Identifiers: MedGen C0950123, MeSH D030342.

Allele frequency attached by ClinVar (database versions not stated): ExAC 0.00001; gnomAD exomes 0.00001 and 0.00002; gnomAD 0.00002; TOPMed 0.00002.

Submissions (2):

Ambry Genetics
Classification: Likely benign for Inborn genetic diseases. Last evaluated: 2025-04-20. Review status: criteria provided, single submitter. Criteria: Ambry Variant Classification Scheme 2023. Collection method: clinical testing. Allele origin: germline.

Labcorp Genetics (formerly Invitae), Labcorp
Classification: Uncertain significance for Autoimmune lymphoproliferative syndrome, type III caused by mutation in PRKCD. Last evaluated: 2024-11-25. Review status: criteria provided, single submitter. Criteria: Invitae Variant Classification Sherloc (09022015). Collection method: clinical testing. Allele origin: germline.
Comment: This sequence change replaces arginine, which is basic and polar, with glutamine, which is neutral and polar, at codon 504 of the PRKCD protein (p.Arg504Gln). This variant is present in population databases (rs781836069, gnomAD 0.007%). This variant has not been reported in the literature in individuals affected with PRKCD-related conditions. ClinVar contains an entry for this variant (Variation ID: 1446696). An algorithm developed to predict the effect of missense changes on protein structure and function outputs the following: PolyPhen-2: "Benign". The glutamine amino acid residue is found in multiple mammalian species, which suggests that this missense change does not adversely affect protein function. In summary, the available evidence is currently insufficient to determine the role of this variant in disease. Therefore, it has been classified as a Variant of Uncertain Significance.